The following is an entry in ClinVar:

ClinVar aggregate classification (germline): Uncertain significance (1 of 4 stars; one submission).

Allele frequency attached by ClinVar (database versions not stated): gnomAD exomes 0.00001.
gnomAD v4.1: 19 of 1,468,140 alleles (0.0013%); highest among the groups gnomAD compares: Non-Finnish European, 0.0017%; no homozygotes.

Submission:

Labcorp Genetics (formerly Invitae), Labcorp
Classification: Uncertain significance. Last evaluated: 2022-07-18. Review status: criteria provided, single submitter. Criteria: Invitae Variant Classification Sherloc (09022015). Collection method: clinical testing. Allele origin: germline.
Comment: In summary, the available evidence is currently insufficient to determine the role of this variant in disease. Therefore, it has been classified as a Variant of Uncertain Significance. Algorithms developed to predict the effect of missense changes on protein structure and function are either unavailable or do not agree on the potential impact of this missense change (SIFT: "Deleterious"; PolyPhen-2: "Not Available"; Align-GVGD: "Class C0"). ClinVar contains an entry for this variant (Variation ID: 1512871). This variant has not been reported in the literature in individuals affected with PDZD7-related conditions. This variant is present in population databases (no rsID available, gnomAD 0.002%). This sequence change replaces proline, which is neutral and non-polar, with leucine, which is neutral and non-polar, at codon 716 of the PDZD7 protein (p.Pro716Leu).

NM_001195263.2(PDZD7):c.2147C>T (p.Pro716Leu)

Gene: PDZD7 (PDZ domain containing 7; minus strand). Cytogenetic location: 10q24.31.
Variant type: single nucleotide variant.
Coding change: c.2147C>T on transcript NM_001195263.2 (MANE Select); coding-DNA position 2147, C replaced by T.
Protein change: p.Pro716Leu; replaces proline 716 with leucine.
Molecular consequence: missense variant.
Genome position (GRCh38, 1-based): chr10:101,010,742, G>A on the plus strand (C>T on the coding strand, the complement: PDZD7 is on the minus strand). VCF-style: chr10-101010742-G-A. GRCh37 (hg19) VCF-style: chr10-102770499-G-A.
Other names: short protein forms P716L.
Identifiers: ClinVar variation 1512871 (VCV001512871.8), dbSNP rs1256494174, ClinGen allele CA378225110.